The following is an entry in ClinVar:

ClinVar aggregate classification (germline): Uncertain significance. Review status: criteria provided, multiple submitters, no conflicts (2 of 4 stars). 4 submissions from 4 submitters: Uncertain significance (4). Last evaluated 2025-07-11.

Conditions:
Arrhythmogenic right ventricular cardiomyopathy (ARVD). Also called: Arrhythmogenic cardiomyopathy; Cardiomyopathy, ARVC; Arrhythmogenic right ventricular dysplasia; Arrhythmogenic Right Ventricular Cardiomyopathy (ARVC). Identifiers: Orphanet 247, MedGen C0349788, MeSH D019571, MONDO:0016587. Disease mechanism: loss of function. Inheritance: Various modes of inheritance.
Cardiomyopathy (CMYO). Also called: Cardiomyopathies. Identifiers: Orphanet 167848, MedGen C0878544, MONDO:0004994, HP:0001638. Inheritance: Various modes of inheritance.
Arrhythmogenic right ventricular dysplasia 10. Also called: Arrhythmogenic Right Ventricular Dysplasia/Cardiomyopathy10; ARRHYTHMOGENIC RIGHT VENTRICULAR DYSPLASIA, FAMILIAL, 10; Arrhythmogenic right ventricular dysplasia/cardiomyopathy, type 10. Identifiers: MedGen C1857777, MONDO:0012434, OMIM 610193.

Allele frequency attached by ClinVar (database versions not stated): gnomAD exomes below 0.00001 and 0.00001; ExAC 0.00001; gnomAD 0.00001; TOPMed 0.00002.
gnomAD v4.1: 20 of 1,612,966 alleles (0.0012%); highest among the groups gnomAD compares: East Asian, 0.013%; no homozygotes.

Submissions (4):

GeneDx
Classification: Uncertain significance. Last evaluated: 2025-07-11. Review status: criteria provided, single submitter. Criteria: GeneDx Variant Classification Process June 2021. Collection method: clinical testing. Allele origin: germline. Affected: yes.
Comment: Has not been previously published as pathogenic or benign to our knowledge; In silico analysis suggests that this missense variant does not alter protein structure/function; Not observed at significant frequency in large population cohorts (gnomAD)

Labcorp Genetics (formerly Invitae), Labcorp
Classification: Uncertain significance for Arrhythmogenic right ventricular dysplasia 10. Last evaluated: 2024-10-24. Review status: criteria provided, single submitter. Criteria: Invitae Variant Classification Sherloc (09022015). Collection method: clinical testing. Allele origin: germline.
Comment: This sequence change replaces valine, which is neutral and non-polar, with isoleucine, which is neutral and non-polar, at codon 20 of the DSG2 protein (p.Val20Ile). This variant is present in population databases (rs746192055, gnomAD 0.003%). This variant has not been reported in the literature in individuals affected with DSG2-related conditions. ClinVar contains an entry for this variant (Variation ID: 923895). Invitae Evidence Modeling of protein sequence and biophysical properties (such as structural, functional, and spatial information, amino acid conservation, physicochemical variation, residue mobility, and thermodynamic stability) indicates that this missense variant is not expected to disrupt DSG2 protein function with a negative predictive value of 95%. In summary, the available evidence is currently insufficient to determine the role of this variant in disease. Therefore, it has been classified as a Variant of Uncertain Significance.

Color Diagnostics, LLC DBA Color Health
Classification: Uncertain significance for Cardiomyopathy. Last evaluated: 2023-12-05. Review status: criteria provided, single submitter. Criteria: ACMG Guidelines, 2015. Collection method: clinical testing. Allele origin: germline.
Comment: This missense variant replaces valine with isoleucine at codon 20 of the DSG2 protein. Computational prediction tools and conservation analyses suggest that this variant may not impact protein structure and function. Splice site prediction tools suggest that this variant may not impact RNA splicing. To our knowledge, functional studies have not been performed for this variant. This variant has not been reported in individuals affected with cardiovascular disorders in the literature. This variant has been identified in 1/249390 chromosomes in the general population by the Genome Aggregation Database (gnomAD). The available evidence is insufficient to determine the role of this variant in disease conclusively. Therefore, this variant is classified as a Variant of Uncertain Significance.

All of Us Research Program, National Institutes of Health
Classification: Uncertain significance for Arrhythmogenic right ventricular cardiomyopathy. Last evaluated: 2023-06-28. Review status: criteria provided, single submitter. Criteria: ACMG Guidelines, 2015. Collection method: clinical testing. Allele origin: germline. Inheritance: Autosomal dominant inheritance. Observed: 1 variant allele, 1 heterozygote.
Comment: This missense variant replaces valine with isoleucine at codon 20 of the DSG2 protein. Computational prediction tools and conservation analyses suggest that this variant may not impact protein structure and function. Splice site prediction tools suggest that this variant may not impact RNA splicing. To our knowledge, functional studies have not been performed for this variant. This variant has not been reported in individuals affected with cardiovascular disorders in the literature. This variant has been identified in 1/249390 chromosomes in the general population by the Genome Aggregation Database (gnomAD). The available evidence is insufficient to determine the role of this variant in disease conclusively. Therefore, this variant is classified as a Variant of Uncertain Significance.

This study involves interpretation of variants in research participants for the purpose of population health screening. Participant phenotype was not available at the time of variant classification. Additional details can be found in publication PMID: 35346344, PMCID: PMC8962531

NM_001943.5(DSG2):c.58G>A (p.Val20Ile)

Gene: DSG2 (desmoglein 2; plus strand). Cytogenetic location: 18q12.1.
Variant type: single nucleotide variant.
Coding change: c.58G>A on transcript NM_001943.5 (MANE Select); coding-DNA position 58, G replaced by A.
Protein change: p.Val20Ile; replaces valine 20 with isoleucine.
Molecular consequence: missense variant.
Genome position (GRCh38, 1-based): chr18:31,518,251, G>A. VCF-style: chr18-31518251-G-A. GRCh37 (hg19) VCF-style: chr18-29098214-G-A.
Other names: c.58G>A (NM_001943.3); short protein forms V20I.
Identifiers: ClinVar variation 923895 (VCV000923895.14), dbSNP rs746192055, ClinGen allele CA049474.